The following is an entry in ClinVar:

NM_000135.4(FANCA):c.647G>C (p.Cys216Ser)

Gene: FANCA (FA complementation group A; minus strand). Cytogenetic location: 16q24.3.
Variant type: single nucleotide variant.
Coding change: c.647G>C on transcript NM_000135.4 (MANE Select); coding-DNA position 647, G replaced by C.
Protein change: p.Cys216Ser; replaces cysteine 216 with serine.
Molecular consequence: missense variant.
Genome position (GRCh38, 1-based): chr16:89,805,342, C>G on the plus strand (G>C on the coding strand, the complement: FANCA is on the minus strand). VCF-style: chr16-89805342-C-G. GRCh37 (hg19) VCF-style: chr16-89871750-C-G.
Other names: c.647G>C, p.Cys216Ser (NM_001018112.3, NM_001286167.3); c.551G>C, p.Cys184Ser (NM_001351830.2); short protein forms C184S, C216S.
Identifiers: ClinVar variation 1449788 (VCV001449788.8), dbSNP rs750011288, ClinGen allele CA397478014.

ClinVar aggregate classification (germline): Uncertain significance (1 of 4 stars; one submission).

Conditions:
Fanconi anemia (FA). Also called: Fanconi's anemia. Identifiers: Orphanet 84, MedGen C0015625, MeSH D005199, MONDO:0019391.

Submission:

Labcorp Genetics (formerly Invitae), Labcorp
Classification: Uncertain significance for Fanconi anemia. Last evaluated: 2021-07-09. Review status: criteria provided, single submitter. Criteria: Invitae Variant Classification Sherloc (09022015). Collection method: clinical testing. Allele origin: germline.
Comment: This sequence change replaces cysteine with serine at codon 216 of the FANCA protein (p.Cys216Ser). The cysteine residue is weakly conserved and there is a moderate physicochemical difference between cysteine and serine. This variant is not present in population databases (ExAC no frequency). This variant has not been reported in the literature in individuals with FANCA-related conditions. Advanced modeling of protein sequence and biophysical properties (such as structural, functional, and spatial information, amino acid conservation, physicochemical variation, residue mobility, and thermodynamic stability) performed at Invitae indicates that this missense variant is not expected to disrupt FANCA protein function. In summary, the available evidence is currently insufficient to determine the role of this variant in disease. Therefore, it has been classified as a Variant of Uncertain Significance.